The following is an entry in ClinVar:

ClinVar aggregate classification (germline): Benign/Likely benign. Review status: criteria provided, multiple submitters, no conflicts (2 of 4 stars). 2 submissions from 2 submitters: Benign (1); Likely benign (1). Last evaluated 2024-06-12.

Conditions:
Hereditary cancer-predisposing syndrome. Also called: Tumor predisposition; Neoplastic Syndromes, Hereditary; Hereditary neoplastic syndrome; Hereditary Cancer Syndrome. Identifiers: Orphanet 140162, MedGen C0027672, MeSH D009386, MONDO:0015356.
Familial cancer of breast. Also called: Hereditary breast cancer; hereditary breast carcinoma; BREAST CANCER, FAMILIAL. Identifiers: Orphanet 227535, MedGen C0346153, MONDO:0016419, OMIM 114480. Disease mechanism: loss of function.

Submissions (2):

Myriad Genetics, Inc.
Classification: Benign for Familial cancer of breast. Last evaluated: 2024-06-12. Review status: criteria provided, single submitter. Criteria: Myriad Autosomal Dominant, Autosomal Recessive and X-Linked Classification Criteria (2023). Collection method: clinical testing. Allele origin: unknown.
Comment: This variant is considered benign. This variant is a silent/synonymous amino acid change and it is not expected to impact splicing.

Color Diagnostics, LLC DBA Color Health
Classification: Likely benign for Hereditary cancer-predisposing syndrome. Last evaluated: 2019-02-26. Review status: criteria provided, single submitter. Criteria: ACMG Guidelines, 2015. Collection method: clinical testing. Allele origin: germline.

NM_000051.4(ATM):c.6957G>A (p.Leu2319=)

Genes: ATM (ATM serine/threonine kinase; plus strand), C11orf65 (chromosome 11 open reading frame 65; minus strand). Cytogenetic location: 11q22.3.
Variant type: single nucleotide variant.
Coding change: c.6957G>A on transcript NM_000051.4 (MANE Select); coding-DNA position 6957, G replaced by A.
Protein change: p.Leu2319=; no amino-acid change (leucine 2319 retained).
Molecular consequence: synonymous variant. On other transcripts: intron variant (2).
Genome position (GRCh38, 1-based): chr11:108,326,207, G>A. VCF-style: chr11-108326207-G-A. GRCh37 (hg19) VCF-style: chr11-108196934-G-A.
Other names: c.6957G>A, p.Leu2319= (NM_001351834.2); c.641-17136C>T (NM_001330368.2); c.*38+9013C>T (NM_001351110.2).
Identifiers: ClinVar variation 925904 (VCV000925904.5), dbSNP rs2085667000, ClinGen allele CA476676404.
Genomic context (GRCh38, chr11:108,326,207, plus strand): 5'-CTGGGCAAAAAAGGAGCAGAGTCTTGCCCTGAGTATTCTCAAGCAAATGATCAAGAAGTT[G>A]GATGCCAGCTGTGCAGCGGTTTGTTTTTTTTATTGGCTGGATTAGTGTTTTACTGTTATT-3'
Protein context (NP_000042.3, residues 2309-2329): LSILKQMIKK[Leu2319=]DASCAANNPS